The following is an entry in ClinVar:

ClinVar aggregate classification (germline): Uncertain significance (1 of 4 stars; one submission).

Submission:

CeGaT Center for Human Genetics Tuebingen
Classification: Uncertain significance. Last evaluated: 2025-07-01. Review status: criteria provided, single submitter. Criteria: CeGaT Center For Human Genetics Tuebingen Variant Classification Criteria Version 2. Collection method: clinical testing. Allele origin: germline. Affected: yes. Observed: 1 variant allele.
Comment: MAPK8IP3: PM2

NM_001318852.2(MAPK8IP3):c.2478G>T (p.Glu826Asp)

Gene: MAPK8IP3 (mitogen-activated protein kinase 8 interacting protein 3; plus strand). Cytogenetic location: 16p13.3.
Variant type: single nucleotide variant.
Coding change: c.2478G>T on transcript NM_001318852.2 (MANE Select); coding-DNA position 2478, G replaced by T.
Protein change: p.Glu826Asp; replaces glutamic acid 826 with aspartic acid.
Molecular consequence: missense variant.
Genome position (GRCh38, 1-based): chr16:1,765,991, G>T. VCF-style: chr16-1765991-G-T. GRCh37 (hg19) VCF-style: chr16-1815992-G-T.
Other names: c.2457G>T, p.Glu819Asp (NM_001040439.2); c.2475G>T, p.Glu825Asp (NM_015133.5); short protein forms E819D, E825D, E826D.
Identifiers: ClinVar variation 4085563 (VCV004085563.8).
Genomic context (GRCh38, chr16:1,765,991, plus strand): 5'-ACAGGCTGACGGGCCGTCCCTCTCCCCAGCGGCCAGCGACAGCGACTACCCTCCCGGGGA[G>T]ATGTTCCTGGACAGCGACGTGAACCCAGAGGACCCGGGCGCAGATGGCGTGCTGGCCGGT-3'
Protein context (NP_001305781.1, residues 816-836): AASDSDYPPG[Glu826Asp]MFLDSDVNPE